The following is an entry in ClinVar:

NM_004415.4(DSP):c.1250A>C (p.Gln417Pro)

Gene: DSP (desmoplakin; plus strand). Cytogenetic location: 6p24.3.
Variant type: single nucleotide variant.
Coding change: c.1250A>C on transcript NM_004415.4 (MANE Select); coding-DNA position 1250, A replaced by C.
Protein change: p.Gln417Pro; replaces glutamine 417 with proline.
Molecular consequence: missense variant.
Genome position (GRCh38, 1-based): chr6:7,567,890, A>C. VCF-style: chr6-7567890-A-C. GRCh37 (hg19) VCF-style: chr6-7568123-A-C.
Other names: c.1250A>C, p.Gln417Pro (NM_001008844.3, NM_001319034.2, NM_001406591.1); short protein forms Q417P.
Identifiers: ClinVar variation 4784353 (VCV004784353.1).

ClinVar aggregate classification (germline): Uncertain significance (1 of 4 stars; one submission).

Conditions:
Arrhythmogenic right ventricular dysplasia 8 (ARVD8). Also called: Arrhythmogenic Right Ventricular Dysplasia/Cardiomyopathy 8; ARRHYTHMOGENIC RIGHT VENTRICULAR DYSPLASIA, FAMILIAL, 8; ARRHYTHMOGENIC RIGHT VENTRICULAR CARDIOMYOPATHY 8. Identifiers: MedGen C1843896, MONDO:0011831, OMIM 607450.
Arrhythmogenic cardiomyopathy with wooly hair and keratoderma. Also called: PALMOPLANTAR KERATODERMA WITH LEFT VENTRICULAR CARDIOMYOPATHY AND WOOLLY HAIR; Arrhythmogenic cardiomyopathy with woolly hair and keratoderma; Carvajal syndrome; Dilated cardiomyopathy with woolly hair and keratoderma. Identifiers: Orphanet 65282, MedGen C1854063, MONDO:0011581, OMIM 605676.

Submission:

Labcorp Genetics (formerly Invitae), Labcorp
Classification: Uncertain significance for Arrhythmogenic cardiomyopathy with wooly hair and keratoderma; Arrhythmogenic right ventricular dysplasia 8. Last evaluated: 2025-03-05. Review status: criteria provided, single submitter. Criteria: Invitae Variant Classification Sherloc (09022015). Collection method: clinical testing. Allele origin: germline.
Comment: This sequence change replaces glutamine, which is neutral and polar, with proline, which is neutral and non-polar, at codon 417 of the DSP protein (p.Gln417Pro). This variant is not present in population databases (gnomAD no frequency). This variant has not been reported in the literature in individuals affected with DSP-related conditions. An algorithm developed to predict the effect of missense changes on protein structure and function (PolyPhen-2) suggests that this variant is likely to be disruptive. In summary, the available evidence is currently insufficient to determine the role of this variant in disease. Therefore, it has been classified as a Variant of Uncertain Significance.